The following is an entry in ClinVar:

ClinVar aggregate classification (germline): Uncertain significance (1 of 4 stars; one submission).

Conditions:
Inborn genetic diseases. Identifiers: MedGen C0950123, MeSH D030342.

Submission:

Ambry Genetics
Classification: Uncertain significance for Inborn genetic diseases. Last evaluated: 2025-03-29. Review status: criteria provided, single submitter. Criteria: Ambry Variant Classification Scheme 2023. Collection method: clinical testing. Allele origin: germline.
Comment: The p.L12M variant (also known as c.34C>A), located in coding exon 1 of the AKT1 gene, results from a C to A substitution at nucleotide position 34. The leucine at codon 12 is replaced by methionine, an amino acid with highly similar properties. This amino acid position is conserved. In addition, the in silico prediction for this alteration is inconclusive. Based on the available evidence, the clinical significance of this variant remains unclear.

NM_001382430.1(AKT1):c.34C>A (p.Leu12Met)

Gene: AKT1 (AKT serine/threonine kinase 1; minus strand). Cytogenetic location: 14q32.33.
Variant type: single nucleotide variant.
Coding change: c.34C>A on transcript NM_001382430.1 (MANE Select); coding-DNA position 34, C replaced by A.
Protein change: p.Leu12Met; replaces leucine 12 with methionine.
Molecular consequence: missense variant.
Genome position (GRCh38, 1-based): chr14:104,792,610, G>T on the plus strand (C>A on the coding strand, the complement: AKT1 is on the minus strand). VCF-style: chr14-104792610-G-T. GRCh37 (hg19) VCF-style: chr14-105258947-G-T.
Other names: c.34C>A, p.Leu12Met (NM_001014431.2, NM_001014432.2, NM_001382431.1 and 3 more transcripts); short protein forms L12M.
Identifiers: ClinVar variation 4035948 (VCV004035948.1).
Genomic context (GRCh38, chr14:104,792,610, plus strand): 5'-ACCCCCATCTCTCCCTCCCCAGGCCCAGCCCTGGCAGCGGGTACTAACCTCGTTTGTGCA[G>T]CCAACCCTCCTTCACAATAGCCACGTCGCTCATGGTGCCCGAGGCTCCCGCGACGCTCAC-3'
Protein context (NP_001369359.1, residues 2-22): SDVAIVKEGW[Leu12Met]HKRGEYIKTW